The following is an entry in ClinVar:

NM_003680.4(YARS1):c.1079C>A (p.Pro360Gln)

Gene: YARS1 (tyrosyl-tRNA synthetase 1; minus strand). Cytogenetic location: 1p35.1.
Variant type: single nucleotide variant.
Coding change: c.1079C>A on transcript NM_003680.4 (MANE Select); coding-DNA position 1079, C replaced by A.
Protein change: p.Pro360Gln; replaces proline 360 with glutamine.
Molecular consequence: missense variant.
Genome position (GRCh38, 1-based): chr1:32,781,109, G>T on the plus strand (C>A on the coding strand, the complement: YARS1 is on the minus strand). VCF-style: chr1-32781109-G-T. GRCh37 (hg19) VCF-style: chr1-33246710-G-T.
Other names: short protein forms P360Q.
Identifiers: ClinVar variation 699667 (VCV000699667.13), dbSNP rs562054969, ClinGen allele CA744994.

ClinVar aggregate classification (germline): Conflicting classifications of pathogenicity. Review status: criteria provided, conflicting classifications (1 of 4 stars). 4 submissions from 4 submitters: Uncertain significance (2); Likely benign (2). Last evaluated 2026-03-25.

Conditions:
YARS1-related disorder. Also called: YARS1-related condition.
Charcot-Marie-Tooth disease dominant intermediate C (CMTDIC). Also called: CHARCOT-MARIE-TOOTH NEUROPATHY, DOMINANT INTERMEDIATE C. Identifiers: Orphanet 100045, MedGen C1842237, MONDO:0012012, OMIM 608323.
Inborn genetic diseases. Identifiers: MedGen C0950123, MeSH D030342.

Allele frequency attached by ClinVar (database versions not stated): gnomAD 0.00001 and 0.00003; gnomAD exomes 0.00001 and 0.00006; TOPMed 0.00003; ExAC 0.00006; 1000 Genomes Project 30x 0.00031; 1000 Genomes Project 0.00040.
gnomAD v4.1: 20 of 1,614,192 alleles (0.0012%); highest among the groups gnomAD compares: East Asian, 0.036%; no homozygotes.

Submissions (4):

PreventionGenetics, part of Exact Sciences
Classification: Uncertain significance for YARS1-related condition. Last evaluated: 2026-03-25. Review status: criteria provided, single submitter. Criteria: ACMG Guidelines, 2015. Collection method: clinical testing. Allele origin: germline.
Comment: The YARS1 c.1079C>A variant is predicted to result in the amino acid substitution p.Pro360Gln. This variant has been reported as a variant of uncertain significance in an individual with Charcot-Marie-Tooth disease (Lin et al. 2020. PubMed ID: 31832804). This variant is reported in 0.085% of alleles in individuals of East Asian descent in gnomAD. At this time, the clinical significance of this variant is uncertain due to the absence of conclusive functional and genetic evidence.

Women's Health and Genetics/Laboratory Corporation of America, LabCorp
Classification: Uncertain significance. Last evaluated: 2026-02-18. Review status: criteria provided, single submitter. Criteria: LabCorp Variant Classification Summary - May 2015. Collection method: clinical testing. Allele origin: germline.
Comment: Variant summary: YARS1 c.1079C>A (p.Pro360Gln) results in a non-conservative amino acid change in the encoded protein sequence. Algorithms developed to predict the effect of missense changes on protein structure and function are either unavailable or do not agree on the potential impact of this missense change. The variant allele was found at a frequency of 1.2e-05 in 1614192 control chromosomes. This frequency is not significantly higher than estimated for disease-causing variants in YARS1, allowing no conclusion about variant significance. c.1079C>A has been observed in at least one individual affected with Charcot-Marie-Tooth disease, without strong evidence of causality (example: Lin_2020). This report does not provide unequivocal conclusions about association of the variant with YARS1-related disorders. To our knowledge, no experimental evidence demonstrating an impact on protein function has been reported. The following publication has been ascertained in the context of this evaluation (PMID: 31832804). ClinVar contains an entry for this variant (Variation ID: 699667). Based on the evidence outlined above, the variant was classified as uncertain significance.

Labcorp Genetics (formerly Invitae), Labcorp
Classification: Likely benign for Charcot-Marie-Tooth disease dominant intermediate C. Last evaluated: 2024-12-31. Review status: criteria provided, single submitter. Criteria: Invitae Variant Classification Sherloc (09022015). Collection method: clinical testing. Allele origin: germline.

Ambry Genetics
Classification: Likely benign for Inborn genetic diseases. Last evaluated: 2023-03-01. Review status: criteria provided, single submitter. Criteria: Ambry Variant Classification Scheme 2023. Collection method: clinical testing. Allele origin: germline.

Literature cited by the submitters: PubMed 31832804 (cited by Women's Health and Genetics/Laboratory Corporation of America, LabCorp).